The following is an entry in ClinVar:

ClinVar aggregate classification (germline): Uncertain significance (1 of 4 stars; one submission).

Conditions:
Cohen syndrome (COH1). Also called: PEPPER SYNDROME; Cutis verticis gyrata, retinitis pigmentosa, and sensorineural deafness. Identifiers: Orphanet 193, MedGen C0265223, MONDO:0008999, OMIM 216550.

Allele frequency attached by ClinVar (database versions not stated): gnomAD exomes below 0.00001.
gnomAD v4.1: 1 of 1,613,372 alleles (0.000062%); highest among the groups gnomAD compares: Non-Finnish European, 0.000085%; no homozygotes.

Submission:

3billion
Classification: Uncertain significance for Cohen syndrome. Last evaluated: 2022-03-22. Review status: criteria provided, single submitter. Criteria: ACMG Guidelines, 2015. Collection method: clinical testing. Allele origin: germline. Affected: yes. Observed: 1 heterozygote.
Comment: The variant is observed at an extremely low frequency in the gnomAD v2.1.1 dataset (total allele frequency:0.0000040). In silico tool predictions suggest damaging effect of the variant on gene or gene product (SPLICEAI: 0.8>=0.8). Therefore, this variant is classified as uncertain significance according to the recommendation of ACMG/AMP guideline.

NM_152564.5(VPS13B):c.1651G>A (p.Gly551Ser)

Gene: VPS13B (vacuolar protein sorting 13 homolog B; plus strand). Cytogenetic location: 8q22.2.
Variant type: single nucleotide variant.
Coding change: c.1651G>A on transcript NM_152564.5 (MANE Select); coding-DNA position 1651, G replaced by A.
Protein change: p.Gly551Ser; replaces glycine 551 with serine.
Molecular consequence: missense variant.
Genome position (GRCh38, 1-based): chr8:99,136,752, G>A. VCF-style: chr8-99136752-G-A. GRCh37 (hg19) VCF-style: chr8-100148980-G-A.
Other names: c.1651G>A, p.Gly551Ser (NM_015243.3, NM_017890.5); short protein forms G551S.
Identifiers: ClinVar variation 1526133 (VCV001526133.1), dbSNP rs1346704740, ClinGen allele CA371863605.
Genomic context (GRCh38, chr8:99,136,752, plus strand): 5'-CAACGGTTTGGGGCTTTTTATATGGATTACCTGTATACAATGGAGAACACTAGTGGCAAA[G>A]GTATTGGCTTCTTTCCTTTATGTGTGCCATTTCTTGAACAACTGAAACAAAGCCTTCCTC-3'
Protein context (NP_689777.3, residues 541-561): LYTMENTSGK[Gly551Ser]STNQQDFSSG